The following is an entry in ClinVar:

NM_006019.4(TCIRG1):c.2414+1G>T

Gene: TCIRG1 (T cell immune regulator 1, ATPase H+ transporting V0 subunit a3; plus strand). Cytogenetic location: 11q13.2.
Variant type: single nucleotide variant.
Coding change: c.2414+1G>T on transcript NM_006019.4 (MANE Select); the canonical splice donor site of the intron after coding-DNA position 2414, G replaced by T.
Molecular consequence: splice donor variant.
Genome position (GRCh38, 1-based): chr11:68,050,665, G>T. VCF-style: chr11-68050665-G-T. GRCh37 (hg19) VCF-style: chr11-67818132-G-T.
Other names: c.1520+1G>T (NM_001351059.2); c.1766+1G>T (NM_006053.4); c.2414+1G>T (NM_006019.3).
Identifiers: ClinVar variation 2679121 (VCV002679121.2), dbSNP rs1197127947, ClinGen allele CA381592307.

ClinVar aggregate classification (germline): Likely pathogenic. Review status: criteria provided, multiple submitters, no conflicts (2 of 4 stars). 2 submissions from 2 submitters: Likely pathogenic (2). Last evaluated 2024-11-01.

Conditions:
Autosomal recessive osteopetrosis 1. Also called: ALBERS-SCHONBERG DISEASE, AUTOSOMAL RECESSIVE; TCIRG1-Related Autosomal Recessive Osteopetrosis; TCIRG1-Related Osteopetrosis. Identifiers: Orphanet 667, MedGen C1850127, MONDO:0009815, OMIM 259700.

Allele frequency attached by ClinVar (database versions not stated): gnomAD exomes below 0.00001.
gnomAD v4.1: 3 of 1,613,448 alleles (0.00019%); highest among the groups gnomAD compares: Non-Finnish European, 0.00025%; no homozygotes.

Submissions (2):

Natera, Inc.
Classification: Likely pathogenic for Infantile malignant osteopetrosis. Last evaluated: 2024-11-01. Review status: criteria provided, single submitter. Criteria: Natera Variant Classification Schema (03/2026). Collection method: clinical testing. Allele origin: germline.
Comment: The c.2414+1G>T variant in TCIRG1 is a canonical splice donor site variant predicted to affect pre-mRNA splicing, which may result in an abnormal transcript and altered protein product. This variant is expected to result in nonsense mediated decay, truncation, or a dysfunctional protein product. This variant is rare in the general population with a frequency below the threshold expected for the associated phenotype(s). Another variant at this same site results in an alteration predicted to cause a similar molecular effect has been observed in individual(s) with the associated phenotype. Given the available evidence, this variant is classified as Likely Pathogenic.

Baylor Genetics
Classification: Likely pathogenic for Autosomal recessive osteopetrosis 1. Last evaluated: 2023-05-11. Review status: criteria provided, single submitter. Criteria: ACMG Guidelines, 2015. Collection method: clinical testing. Allele origin: unknown.